The following is an entry in ClinVar:

ClinVar aggregate classification (germline): Uncertain significance (1 of 4 stars; one submission).

gnomAD v4.1: 1 of 1,614,098 alleles (0.000062%); highest among the groups gnomAD compares: African/African-American, 0.0013%; no homozygotes.

Submission:

GeneDx
Classification: Uncertain significance. Last evaluated: 2021-06-14. Review status: criteria provided, single submitter. Criteria: GeneDx Variant Classification Process June 2021. Collection method: clinical testing. Allele origin: germline. Affected: yes.
Comment: Not observed at significant frequency in large population cohorts (Lek et al., 2016); In silico analysis supports that this missense variant does not alter protein structure/function; Has not been previously published as pathogenic or benign to our knowledge; This variant is associated with the following publications: (PMID: 27535533)

NM_001134407.3(GRIN2A):c.3635C>G (p.Thr1212Arg)

Gene: GRIN2A (glutamate ionotropic receptor NMDA type subunit 2A; minus strand). Cytogenetic location: 16p13.2.
Variant type: single nucleotide variant.
Coding change: c.3635C>G on transcript NM_001134407.3 (MANE Select); coding-DNA position 3635, C replaced by G.
Protein change: p.Thr1212Arg; replaces threonine 1212 with arginine.
Molecular consequence: missense variant.
Genome position (GRCh38, 1-based): chr16:9,763,909, G>C on the plus strand (C>G on the coding strand, the complement: GRIN2A is on the minus strand). VCF-style: chr16-9763909-G-C. GRCh37 (hg19) VCF-style: chr16-9857766-G-C.
Other names: c.3635C>G, p.Thr1212Arg (NM_001134408.2, NM_000833.5); short protein forms T1212R.
Identifiers: ClinVar variation 1189447 (VCV001189447.2), dbSNP rs1042202486, ClinGen allele CA394707194.